The following is an entry in ClinVar:

ClinVar aggregate classification (germline): Uncertain significance (1 of 4 stars; one submission).

Conditions:
Arrhythmogenic right ventricular dysplasia 9 (ARVD9). Also called: Arrhythmogenic Right Ventricular Dysplasia/Cardiomyopathy 9; ARRHYTHMOGENIC RIGHT VENTRICULAR DYSPLASIA, FAMILIAL, 9. Identifiers: MedGen C1836906, MONDO:0012180, OMIM 609040.

Submission:

Labcorp Genetics (formerly Invitae), Labcorp
Classification: Uncertain significance for Arrhythmogenic right ventricular dysplasia 9. Last evaluated: 2023-05-05. Review status: criteria provided, single submitter. Criteria: Invitae Variant Classification Sherloc (09022015). Collection method: clinical testing. Allele origin: germline.
Comment: In summary, the available evidence is currently insufficient to determine the role of this variant in disease. Therefore, it has been classified as a Variant of Uncertain Significance. Algorithms developed to predict the effect of sequence changes on RNA splicing suggest that this variant is not likely to affect RNA splicing. This variant has not been reported in the literature in individuals affected with PKP2-related conditions. This variant is not present in population databases (gnomAD no frequency). This sequence change affects codon 766 of the PKP2 mRNA. It is a 'silent' change, meaning that it does not change the encoded amino acid sequence of the PKP2 protein. It affects a nucleotide within the consensus splice site.

NM_001005242.3(PKP2):c.2166T>C (p.Ile722=)

Gene: PKP2 (plakophilin 2; minus strand). Cytogenetic location: 12p11.21.
Variant type: single nucleotide variant.
Coding change: c.2166T>C on transcript NM_001005242.3 (MANE Select); coding-DNA position 2166, T replaced by C.
Protein change: p.Ile722=; no amino-acid change (isoleucine 722 retained).
Molecular consequence: synonymous variant.
Genome position (GRCh38, 1-based): chr12:32,802,404, A>G on the plus strand (T>C on the coding strand, the complement: PKP2 is on the minus strand). VCF-style: chr12-32802404-A-G. GRCh37 (hg19) VCF-style: chr12-32955338-A-G.
Other names: c.2166T>C, p.Ile722= (NM_001407155.1); c.2001T>C, p.Ile667= (NM_001407156.1); c.1839T>C, p.Ile613= (NM_001407158.1, NM_001407159.1, NM_001407160.1); c.2298T>C, p.Ile766= (NM_004572.4).
Identifiers: ClinVar variation 2862214 (VCV002862214.3), dbSNP rs1442934924, ClinGen allele CA479174729.